The following is an entry in ClinVar:

NM_172107.4(KCNQ2):c.529A>G (p.Ile177Val)

Gene: KCNQ2 (potassium voltage-gated channel subfamily Q member 2; minus strand). Cytogenetic location: 20q13.33.
Variant type: single nucleotide variant.
Coding change: c.529A>G on transcript NM_172107.4 (MANE Select); coding-DNA position 529, A replaced by G.
Protein change: p.Ile177Val; replaces isoleucine 177 with valine.
Molecular consequence: missense variant.
Genome position (GRCh38, 1-based): chr20:63,444,820, T>C on the plus strand (A>G on the coding strand, the complement: KCNQ2 is on the minus strand). VCF-style: chr20-63444820-T-C. GRCh37 (hg19) VCF-style: chr20-62076173-T-C.
Other names: c.529A>G, p.Ile177Val (NM_001382235.1, NM_004518.6, NM_172106.3 and 2 more transcripts); short protein forms I177V.
Identifiers: ClinVar variation 934162 (VCV000934162.12), dbSNP rs542553752, ClinGen allele CA9958782.

ClinVar aggregate classification (germline): Uncertain significance. Review status: criteria provided, multiple submitters, no conflicts (2 of 4 stars). 2 submissions from 2 submitters: Uncertain significance (2). Last evaluated 2025-04-10.

Conditions:
Inborn genetic diseases. Identifiers: MedGen C0950123, MeSH D030342.
Early-infantile DEE. Also called: Early infantile epileptic encephalopathy; Early infantile epileptic encephalopathy with suppression bursts; Ohtahara syndrome. Identifiers: Orphanet 1934, MedGen C0393706, MONDO:0800491.

Allele frequency attached by ClinVar (database versions not stated): gnomAD exomes below 0.00001; TOPMed below 0.00001; ExAC 0.00001; gnomAD 0.00001; 1000 Genomes Project 0.00020; 1000 Genomes Project 30x 0.00031.

Submissions (2):

Ambry Genetics
Classification: Uncertain significance for Inborn genetic diseases. Last evaluated: 2025-04-10. Review status: criteria provided, single submitter. Criteria: Ambry Variant Classification Scheme 2023. Collection method: clinical testing. Allele origin: germline.

Labcorp Genetics (formerly Invitae), Labcorp
Classification: Uncertain significance for Early-infantile DEE. Last evaluated: 2019-09-04. Review status: criteria provided, single submitter. Criteria: Invitae Variant Classification Sherloc (09022015). Collection method: clinical testing. Allele origin: germline.
Comment: In summary, the available evidence is currently insufficient to determine the role of this variant in disease. Therefore, it has been classified as a Variant of Uncertain Significance. Algorithms developed to predict the effect of missense changes on protein structure and function output the following: SIFT: "Tolerated"; PolyPhen-2: "Benign"; Align-GVGD: "Class C15". The valine amino acid residue is found in multiple mammalian species, suggesting that this missense change does not adversely affect protein function. These predictions have not been confirmed by published functional studies and their clinical significance is uncertain. This variant has not been reported in the literature in individuals with KCNQ2-related conditions. This variant is present in population databases (rs542553752, ExAC 0.02%). This sequence change replaces isoleucine with valine at codon 177 of the KCNQ2 protein (p.Ile177Val). The isoleucine residue is highly conserved and there is a small physicochemical difference between isoleucine and valine.